The following is an entry in ClinVar:

ClinVar aggregate classification (germline): Pathogenic. Review status: criteria provided, multiple submitters, no conflicts (2 of 4 stars). 3 submissions from 3 submitters: Pathogenic (3). Last evaluated 2026-05-18.

Conditions:
Low phospholipid associated cholelithiasis (GBD1). Also called: Gallstone cholecystitis; Gallbladder disease 1. Identifiers: Orphanet 69663, MedGen C2609268, MONDO:0010939, OMIM 600803.
Familial intrahepatic cholestasis. Identifiers: Orphanet 284385, MedGen CN296401, MONDO:0017290.
ABCB4-related disorder. Also called: ABCB4-related disorders; ABCB4-related condition.

Allele frequency attached by ClinVar (database versions not stated): TOPMed below 0.00001.

Submissions (3):

PreventionGenetics, part of Exact Sciences
Classification: Pathogenic for ABCB4-related condition. Last evaluated: 2026-05-18. Review status: criteria provided, single submitter. Criteria: ACMG Guidelines, 2015. Collection method: clinical testing. Allele origin: germline.
Comment: The ABCB4 c.286+1G>A variant is predicted to disrupt the GT donor site and interfere with normal splicing. This variant has been reported in the homozygous and compound heterozygous state in multiple individuals with familial progressive intrahepatic cholestasis (Kubitz et al. 2011. PubMed ID: 21638239; Dröge C et al. 2017. PubMed ID: 28733223; Nicastro et al. 2019. PubMed ID: 31160058). This variant has also been reported in the heterozygous state in individuals with ABCB4-related phenotypes including: low phospholipid-associated cholelithiasis (LPAC) syndrome, intrahepatic cholestasis of pregnancy (ICP), cholelithiasis, and oral contraceptive-induced cholestasis (CIC) (Kubitz et al. 2011. PubMed ID: 21638239; Table S1, de Vries E et al. 2020. PubMed ID: 32893960). This variant has not been reported in a large population database (gnomAD), indicating this variant is rare. Variants that disrupt the consensus donor splice site in ABCB4 are expected to be pathogenic. In summary, this variant is interpreted as pathogenic.

Genomenon, Inc
Classification: Pathogenic for Familial intrahepatic cholestasis; Low phospholipid associated cholelithiasis. Last evaluated: 2026-04-14. Review status: criteria provided, single submitter. Criteria: Genomenon Sequence Variant Interpretation Standards - Updated. Collection method: curation. Allele origin: germline. Affected: yes.
Comment: ABCB4 c.286+1G>A is a canonical splice variant affecting the donor splice site of intron 4. It is predicted to affect mRNA splicing, leading to a deleterious effect on the ABCB4 protein. This variant has been observed in at least one proband with an ABCB4-related disorder (PMID:32893960;31160058;21638239). The variant was found to segregate with disease in at least one affected family (PMID:21638239). It is absent or not present at a significant frequency in gnomAD. In conclusion, we classify ABCB4 c.286+1G>A as a pathogenic variant.

Mayo Clinic Laboratories, Mayo Clinic
Classification: Pathogenic. Last evaluated: 2025-09-25. Review status: criteria provided, single submitter. Criteria: ACMG Guidelines, 2015. Collection method: clinical testing. Allele origin: germline. Observed: 1 variant allele.
Comment: PM2_supporting, PM3_supporting, PVS1

Literature cited by the submitters: PubMed 32893960 (cited by Genomenon, Inc and Mayo Clinic Laboratories, Mayo Clinic); PubMed 31160058 (cited by Genomenon, Inc and Mayo Clinic Laboratories, Mayo Clinic); PubMed 21638239 (cited by Genomenon, Inc and Mayo Clinic Laboratories, Mayo Clinic); PubMed 25533467 (cited by Mayo Clinic Laboratories, Mayo Clinic); PubMed 28733223 (cited by Mayo Clinic Laboratories, Mayo Clinic).

NM_000443.4(ABCB4):c.286+1G>A

Gene: ABCB4 (ATP binding cassette subfamily B member 4; minus strand). Cytogenetic location: 7q21.12.
Variant type: single nucleotide variant.
Coding change: c.286+1G>A on transcript NM_000443.4 (MANE Select); the canonical splice donor site of the intron after coding-DNA position 286, G replaced by A.
Molecular consequence: splice donor variant.
Genome position (GRCh38, 1-based): chr7:87,462,757, C>T on the plus strand (G>A on the coding strand, the complement: ABCB4 is on the minus strand). VCF-style: chr7-87462757-C-T. GRCh37 (hg19) VCF-style: chr7-87092073-C-T.
Other names: c.286+1G>A (NM_018850.3, NM_018849.3).
Identifiers: ClinVar variation 2635175 (VCV002635175.4), dbSNP rs1812547805, ClinGen allele CA368056024.
Genomic context (GRCh38, chr7:87,462,757, plus strand): 5'-CAAATTTTTACCCAGTTAAAGAAATGCTATGGATTTTTTTAAAAGGTAAAGAAATGCTTA[C>T]CTGGAAAGGAGAAGTTTCCTGCAGTATCAACAAATTTGTCAGTCATCTCTCCAAATACTA-3'